The following is an entry in ClinVar:

NM_000091.5(COL4A3):c.3769G>A (p.Gly1257Arg)

Genes: COL4A3 (collagen type IV alpha 3 chain; plus strand), MFF-DT (MFF divergent transcript; minus strand). Cytogenetic location: 2q36.3.
Variant type: single nucleotide variant.
Coding change: c.3769G>A on transcript NM_000091.5 (MANE Select); coding-DNA position 3769, G replaced by A.
Protein change: p.Gly1257Arg; replaces glycine 1257 with arginine.
Molecular consequence: missense variant.
Genome position (GRCh38, 1-based): chr2:227,298,699, G>A. VCF-style: chr2-227298699-G-A. GRCh37 (hg19) VCF-style: chr2-228163415-G-A.
Other names: short protein forms G1257R.
Identifiers: ClinVar variation 1077019 (VCV001077019.2), dbSNP rs2106250807, ClinGen allele CA350860984.

ClinVar aggregate classification (germline): Likely pathogenic. Review status: criteria provided, multiple submitters, no conflicts (2 of 4 stars). 2 submissions from 2 submitters: Likely pathogenic (2). Last evaluated 2024-10-07.

Conditions:
Autosomal recessive Alport syndrome (ATS2). Also called: COL4A3-Related Nephropathy; Alport syndrome type 2; COL4A4 Alport Syndrome and Thin Basement Membrane Nephropathy; ALPORT SYNDROME 2, AUTOSOMAL RECESSIVE. Identifiers: Orphanet 63, Orphanet 88919, MedGen C4746745, MONDO:0008762, OMIM 203780.
Alport syndrome. Also called: Hemorrhagic familial nephritis; Hemorrhagic hereditary nephritis; Congenital hereditary hematuria. Identifiers: Orphanet 63, MedGen C1567741, MONDO:0018965.

Submissions (2):

Natera, Inc.
Classification: Likely pathogenic for Alport syndrome. Last evaluated: 2024-10-07. Review status: criteria provided, single submitter. Criteria: Natera Variant Classification Schema (03/2026). Collection method: clinical testing. Allele origin: germline.
Comment: The c.3769G>A variant in COL4A3 is a missense variant predicted to cause substitution of glycine to arginine at amino acid 1257. This variant is rare in the general population with a frequency below the threshold expected for the associated phenotype(s). This variant has been observed in one or more individuals affected with the associated recessive disease, as either homozygous or compound heterozygous with a second variant (PMID: 28542346, 34215756). This variant is located in a functionally critical region of the protein. Computational prediction algorithms indicate this variant is likely to affect gene or protein function. Given the available evidence, this variant is classified as Likely Pathogenic.

Precision Medicine Center, Zhengzhou University
Classification: Likely pathogenic for Autosomal recessive Alport syndrome. Review status: criteria provided, single submitter. Criteria: ACMG Guidelines, 2015. Collection method: research. Allele origin: germline. Affected: yes.
Comment: PM1:Located in a mutational hot spot PM2:not found in gnomAD PP2:Missense variant in a gene that has a low rate of benign missense variation and in which missense variants are a common mechanism of disease PP3:Multiple lines of computational evidence support a deleterious effect on the gene or gene product

Literature cited by the submitters: PubMed 28542346 (cited by Natera, Inc.); PubMed 34215756 (cited by Natera, Inc.).